The following is an entry in ClinVar:

NM_138773.4(SLC25A46):c.371G>A (p.Arg124His)

Gene: SLC25A46 (solute carrier family 25 member 46; plus strand). Cytogenetic location: 5q22.1.
Variant type: single nucleotide variant.
Coding change: c.371G>A on transcript NM_138773.4 (MANE Select); coding-DNA position 371, G replaced by A.
Protein change: p.Arg124His; replaces arginine 124 with histidine.
Molecular consequence: missense variant. On other transcripts: non-coding transcript variant (1).
Genome position (GRCh38, 1-based): chr5:110,743,774, G>A. VCF-style: chr5-110743774-G-A. GRCh37 (hg19) VCF-style: chr5-110079475-G-A.
Other names: c.371G>A, p.Arg124His (NM_001303249.3); c.98G>A, p.Arg33His (NM_001303250.3); short protein forms R124H, R33H.
Identifiers: ClinVar variation 548524 (VCV000548524.12), dbSNP rs756258729, ClinGen allele CA3364567.
Genomic context (GRCh38, chr5:110,743,774, plus strand): 5'-AATTATTTTTATATAGTCTCTTTACAGAAAATGTATTGGCACATCCTTGCATTGTTCTAC[G>A]CCGCCAATGTCAGGTAAATGTAATTTCTGTGATCTTTTGAAGCAATACTTCTGACCCTAA-3'
Protein context (NP_620128.1, residues 114-134): NVLAHPCIVL[Arg124His]RQCQVNYHAQ

ClinVar aggregate classification (germline): Uncertain significance. Review status: criteria provided, multiple submitters, no conflicts (2 of 4 stars). 2 submissions from 2 submitters: Uncertain significance (2). Last evaluated 2021-08-30.

Conditions:
Neuropathy, hereditary motor and sensory, type 6B (HMSN6B). Also called: HMSN VIB; CHARCOT-MARIE-TOOTH DISEASE, TYPE 6B; Neuropathy, hereditary motor and sensory, type VIB; NEUROPATHY, HEREDITARY MOTOR AND SENSORY, TYPE VIB, WITH OPTIC ATROPHY. Identifiers: MedGen C4225302, MONDO:0014671, OMIM 616505.

Allele frequency attached by ClinVar (database versions not stated): TOPMed below 0.00001; ExAC 0.00001; gnomAD exomes 0.00001 and 0.00003.
gnomAD v4.1: 41 of 1,604,410 alleles (0.0026%); highest among the groups gnomAD compares: Non-Finnish European, 0.0034%; no homozygotes.

Submissions (2):

Labcorp Genetics (formerly Invitae), Labcorp
Classification: Uncertain significance for Neuropathy, hereditary motor and sensory, type 6B. Last evaluated: 2021-08-30. Review status: criteria provided, single submitter. Criteria: Invitae Variant Classification Sherloc (09022015). Collection method: clinical testing. Allele origin: germline.
Comment: This sequence change replaces arginine with histidine at codon 124 of the SLC25A46 protein (p.Arg124His). The arginine residue is highly conserved and there is a small physicochemical difference between arginine and histidine. This variant is present in population databases (rs756258729, ExAC 0.002%). This variant has not been reported in the literature in individuals affected with SLC25A46-related conditions. ClinVar contains an entry for this variant (Variation ID: 548524). Algorithms developed to predict the effect of missense changes on protein structure and function are either unavailable or do not agree on the potential impact of this missense change (SIFT: "Deleterious"; PolyPhen-2: "Probably Damaging"; Align-GVGD: "Class C0"). In summary, the available evidence is currently insufficient to determine the role of this variant in disease. Therefore, it has been classified as a Variant of Uncertain Significance.

Genomic Research Center, Shahid Beheshti University of Medical Sciences
Classification: Uncertain significance for Neuropathy, hereditary motor and sensory, type 6B. Last evaluated: 2018-03-05. Review status: criteria provided, single submitter. Criteria: ACMG Guidelines, 2015. Collection method: clinical testing. Allele origin: inherited. Affected: yes. Observed: 1 variant allele.